The following is an entry in ClinVar:

ClinVar aggregate classification (germline): Uncertain significance (1 of 4 stars; one submission).

Conditions:
Hereditary cancer-predisposing syndrome. Also called: Neoplastic Syndromes, Hereditary; Tumor predisposition; Hereditary Cancer Syndrome; Hereditary neoplastic syndrome. Identifiers: Orphanet 140162, MedGen C0027672, MeSH D009386, MONDO:0015356.

Submission:

Ambry Genetics
Classification: Uncertain significance for Hereditary cancer-predisposing syndrome. Last evaluated: 2024-09-22. Review status: criteria provided, single submitter. Criteria: Ambry Variant Classification Scheme 2023. Collection method: clinical testing. Allele origin: germline.
Comment: The p.D592E variant (also known as c.1776C>A), located in coding exon 11 of the RAD50 gene, results from a C to A substitution at nucleotide position 1776. The aspartic acid at codon 592 is replaced by glutamic acid, an amino acid with highly similar properties. This amino acid position is conserved. In addition, this alteration is predicted to be tolerated by in silico analysis. Based on the available evidence, the clinical significance of this variant remains unclear.

NM_005732.4(RAD50):c.1776C>A (p.Asp592Glu)

Gene: RAD50 (RAD50 double strand break repair protein; plus strand). Cytogenetic location: 5q31.1.
Variant type: single nucleotide variant.
Coding change: c.1776C>A on transcript NM_005732.4 (MANE Select); coding-DNA position 1776, C replaced by A.
Protein change: p.Asp592Glu; replaces aspartic acid 592 with glutamic acid.
Molecular consequence: missense variant.
Genome position (GRCh38, 1-based): chr5:132,592,017, C>A. VCF-style: chr5-132592017-C-A. GRCh37 (hg19) VCF-style: chr5-131927709-C-A.
Other names: short protein forms D592E.
Identifiers: ClinVar variation 3429498 (VCV003429498.1).